The following is an entry in ClinVar:

ClinVar aggregate classification (germline): Uncertain significance (1 of 4 stars; one submission).

Conditions:
Cerebral folate transport deficiency. Also called: FOLR1-Related Cerebral Folate Transport Deficiency; Cerebral folate deficiency syndrome; NEURODEGENERATION DUE TO CEREBRAL FOLATE TRANSPORT DEFICIENCY; FOLATE RECEPTOR DEFICIENCY; Neurodegenerative syndrome due to cerebral folate transport deficiency. Identifiers: Orphanet 217382, MedGen C2751584, MONDO:0013110, OMIM 613068. Disease mechanism: loss of function.

Submission:

Labcorp Genetics (formerly Invitae), Labcorp
Classification: Uncertain significance for Cerebral folate transport deficiency. Last evaluated: 2018-12-08. Review status: criteria provided, single submitter. Criteria: Invitae Variant Classification Sherloc (09022015). Collection method: clinical testing. Allele origin: germline.
Comment: In summary, the available evidence is currently insufficient to determine the role of this variant in disease. Therefore, it has been classified as a Variant of Uncertain Significance. This sequence change replaces histidine with arginine at codon 75 of the FOLR1 protein (p.His75Arg). The histidine residue is highly conserved and there is a small physicochemical difference between histidine and arginine. This variant is not present in population databases (ExAC no frequency). This variant has not been reported in the literature in individuals with FOLR1-related conditions. Algorithms developed to predict the effect of missense changes on protein structure and function are either unavailable or do not agree on the potential impact of this missense change (SIFT: "Deleterious"; PolyPhen-2: "Benign"; Align-GVGD: "Class C25"). Algorithms developed to predict the effect of sequence changes on RNA splicing suggest that this variant may create or strengthen a splice site, but this prediction has not been confirmed by published transcriptional studies.

NM_016729.3(FOLR1):c.224A>G (p.His75Arg)

Genes: FOLR1-AS1 (FOLR1 antisense RNA 1; minus strand), FOLR1 (folate receptor alpha; plus strand). Cytogenetic location: 11q13.4.
Variant type: single nucleotide variant.
Coding change: c.224A>G on transcript NM_016729.3 (MANE Select); coding-DNA position 224, A replaced by G.
Protein change: p.His75Arg; replaces histidine 75 with arginine.
Molecular consequence: missense variant.
Genome position (GRCh38, 1-based): chr11:72,195,326, A>G. VCF-style: chr11-72195326-A-G. GRCh37 (hg19) VCF-style: chr11-71906370-A-G.
Other names: c.224A>G, p.His75Arg (NM_000802.3, NM_016724.3, NM_016725.3); short protein forms H75R.
Identifiers: ClinVar variation 658632 (VCV000658632.9), dbSNP rs1591245965, ClinGen allele CA381731991.
Genomic context (GRCh38, chr11:72,195,326, plus strand): 5'-TCCAGTGTCGACCCTGGAGGAAGAATGCCTGCTGTTCTACCAACACCAGCCAGGAAGCCC[A>G]TAAGGATGTTTCCTACCTATATAGATTCAACTGGAACCACTGTGGAGAGATGGCACCTGC-3'
Protein context (NP_057941.1, residues 65-85): CCSTNTSQEA[His75Arg]KDVSYLYRFN